The following is an entry in ClinVar:

NM_001009944.3(PKD1):c.6701T>G (p.Val2234Gly)

Gene: PKD1 (polycystin 1, transient receptor potential channel interacting; minus strand). Cytogenetic location: 16p13.3.
Variant type: single nucleotide variant.
Coding change: c.6701T>G on transcript NM_001009944.3 (MANE Select); coding-DNA position 6701, T replaced by G.
Protein change: p.Val2234Gly; replaces valine 2234 with glycine.
Molecular consequence: missense variant.
Genome position (GRCh38, 1-based): chr16:2,108,466, A>C on the plus strand (T>G on the coding strand, the complement: PKD1 is on the minus strand). VCF-style: chr16-2108466-A-C. GRCh37 (hg19) VCF-style: chr16-2158467-A-C.
Other names: c.6701T>G, p.Val2234Gly (NM_000296.4); short protein forms V2234G.
Identifiers: ClinVar variation 4847045 (VCV004847045.1).

ClinVar aggregate classification (germline): Uncertain significance (1 of 4 stars; one submission).

Submission:

Women's Health and Genetics/Laboratory Corporation of America, LabCorp
Classification: Uncertain significance. Last evaluated: 2026-03-23. Review status: criteria provided, single submitter. Criteria: LabCorp Variant Classification Summary - May 2015. Collection method: clinical testing. Allele origin: germline.
Comment: Variant summary: PKD1 c.6701T>G (p.Val2234Gly) results in a non-conservative amino acid change in the encoded protein sequence. Algorithms developed to predict the effect of missense changes on protein structure and function all suggest that this variant is likely to be disruptive. The variant was absent in 246434 control chromosomes (gnomAD). The available data on variant occurrences in the general population are insufficient to allow any conclusion about variant significance. To our knowledge, no occurrence of c.6701T>G in individuals affected with PKD1-related conditions and no experimental evidence demonstrating its impact on protein function have been reported. No submitters have cited clinical-significance assessments for this variant to ClinVar. Based on the evidence outlined above, the variant was classified as uncertain significance.